The following is an entry in ClinVar:

ClinVar aggregate classification (germline): Uncertain significance. Review status: criteria provided, multiple submitters, no conflicts (2 of 4 stars). 2 submissions from 2 submitters: Uncertain significance (2). Last evaluated 2023-10-02.

Conditions:
Hereditary cancer-predisposing syndrome. Also called: Hereditary neoplastic syndrome; Neoplastic Syndromes, Hereditary; Tumor predisposition; Hereditary Cancer Syndrome. Identifiers: Orphanet 140162, MedGen C0027672, MeSH D009386, MONDO:0015356.
Hereditary breast ovarian cancer syndrome. Also called: Hereditary breast and/or ovarian cancer syndrome; Hereditary breast and ovarian cancer syndrome (HBOC); Breast and ovarian cancer; Hereditary breast and ovarian cancer; BRCA1- and BRCA2-Associated Hereditary Breast and Ovarian Cancer; Hereditary breast and ovarian cancer syndrome. Identifiers: Orphanet 145, MedGen C0677776, MeSH D061325, MONDO:0003582. Disease mechanism: loss of function.

Allele frequency attached by ClinVar (database versions not stated): gnomAD exomes below 0.00001; TOPMed 0.00001; ExAC 0.00002.
gnomAD v4.1: 1 of 1,613,310 alleles (0.000062%); highest among the groups gnomAD compares: East Asian, 0.0022%; no homozygotes.

Submissions (2):

Ambry Genetics
Classification: Uncertain significance for Hereditary cancer-predisposing syndrome. Last evaluated: 2023-10-02. Review status: criteria provided, single submitter. Criteria: Ambry Variant Classification Scheme 2023. Collection method: clinical testing. Allele origin: germline.
Comment: The p.H297R variant (also known as c.890A>G), located in coding exon 8 of the MRE11A gene, results from an A to G substitution at nucleotide position 890. The histidine at codon 297 is replaced by arginine, an amino acid with highly similar properties. This amino acid position is conserved. In addition, this alteration is predicted to be tolerated by in silico analysis. Since supporting evidence is limited at this time, the clinical significance of this alteration remains unclear.

Cancer Genomics Group, Japanese Foundation For Cancer Research
Classification: Uncertain significance for Hereditary breast and ovarian cancer syndrome. Last evaluated: 2019-05-01. Review status: criteria provided, single submitter. Criteria: ACMG Guidelines, 2015. Collection method: research. Allele origin: germline. Affected: yes.

NM_005591.4(MRE11):c.890A>G (p.His297Arg)

Gene: MRE11 (MRE11 double strand break repair nuclease; minus strand). Cytogenetic location: 11q21.
Variant type: single nucleotide variant.
Coding change: c.890A>G on transcript NM_005591.4 (MANE Select); coding-DNA position 890, A replaced by G.
Protein change: p.His297Arg; replaces histidine 297 with arginine.
Molecular consequence: missense variant.
Genome position (GRCh38, 1-based): chr11:94,470,598, T>C on the plus strand (A>G on the coding strand, the complement: MRE11 is on the minus strand). VCF-style: chr11-94470598-T-C. GRCh37 (hg19) VCF-style: chr11-94203764-T-C.
Other names: c.890A>G (NM_005591.3); c.890A>G, p.His297Arg (NM_001330347.2, NM_005590.4); short protein forms H297R.
Identifiers: ClinVar variation 830281 (VCV000830281.3), dbSNP rs762144883, ClinGen allele CA6235270.